The following is an entry in ClinVar:

NM_182931.3(KMT2E):c.2915G>A (p.Arg972Lys)

Gene: KMT2E (lysine methyltransferase 2E (inactive); plus strand). Cytogenetic location: 7q22.3.
Variant type: single nucleotide variant.
Coding change: c.2915G>A on transcript NM_182931.3 (MANE Select); coding-DNA position 2915, G replaced by A.
Protein change: p.Arg972Lys; replaces arginine 972 with lysine.
Molecular consequence: missense variant.
Genome position (GRCh38, 1-based): chr7:105,107,372, G>A. VCF-style: chr7-105107372-G-A. GRCh37 (hg19) VCF-style: chr7-104747819-G-A.
Other names: c.2915G>A, p.Arg972Lys (NM_001410908.1, NM_018682.4); short protein forms R972K.
Identifiers: ClinVar variation 2956221 (VCV002956221.3), dbSNP rs2536508883, ClinGen allele CA368788101.

ClinVar aggregate classification (germline): Uncertain significance (1 of 4 stars; one submission).

Submission:

Labcorp Genetics (formerly Invitae), Labcorp
Classification: Uncertain significance. Last evaluated: 2023-11-24. Review status: criteria provided, single submitter. Criteria: Invitae Variant Classification Sherloc (09022015). Collection method: clinical testing. Allele origin: germline.
Comment: This sequence change replaces arginine, which is basic and polar, with lysine, which is basic and polar, at codon 972 of the KMT2E protein (p.Arg972Lys). This variant is not present in population databases (gnomAD no frequency). This variant has not been reported in the literature in individuals affected with KMT2E-related conditions. Advanced modeling of protein sequence and biophysical properties (such as structural, functional, and spatial information, amino acid conservation, physicochemical variation, residue mobility, and thermodynamic stability) performed at Invitae indicates that this missense variant is not expected to disrupt KMT2E protein function with a negative predictive value of 80%. In summary, the available evidence is currently insufficient to determine the role of this variant in disease. Therefore, it has been classified as a Variant of Uncertain Significance.